The following is an entry in ClinVar:

ClinVar aggregate classification (germline): Uncertain significance (1 of 4 stars; one submission).

Conditions:
Medium-chain acyl-coenzyme A dehydrogenase deficiency (ACADMD). Also called: MCAD Deficiency; MCADD; CARNITINE DEFICIENCY SECONDARY TO MEDIUM-CHAIN ACYL-CoA DEHYDROGENASE DEFICIENCY; ACADM DEFICIENCY; MCADH DEFICIENCY; Medium chain acyl-CoA dehydrogenase deficiency. Identifiers: Orphanet 42, MedGen C0220710, MONDO:0008721, OMIM 201450.

Submission:

Myriad Genetics, Inc.
Classification: Uncertain significance for Medium-chain acyl-coenzyme A dehydrogenase deficiency. Last evaluated: 2026-08-11. Review status: criteria provided, single submitter. Criteria: Myriad Autosomal Dominant, Autosomal Recessive and X-Linked Classification Criteria (2023). Collection method: clinical testing. Allele origin: unknown.
Comment: NM_000016.4(ACADM):c.970_971delGCinsAT(A324I) is a missense variant classified as a variant of uncertain significance in the context of medium-chain acyl-CoA dehydrogenase deficiency. A324I has been observed in a case with relevant disease (PMID: 33841490). Relevant functional assessments of this variant are not available in the literature. A324I has not been observed in referenced population frequency databases. In summary, there is insufficient evidence to classify NM_000016.4(ACADM):c.970_971delGCinsAT(A324I) as pathogenic or benign. Please note: this variant was assessed in the context of healthy population screening.

Literature cited by the submitters: PubMed 33841490.

NM_000016.6(ACADM):c.970_971delinsAT (p.Ala324Ile)

Gene: ACADM (acyl-CoA dehydrogenase medium chain; plus strand). Cytogenetic location: 1p31.1.
Variant type: Indel.
Coding change: c.970_971delinsAT on transcript NM_000016.6 (MANE Select); coding-DNA positions 970 to 971, GC replaced by AT.
Protein change: p.Ala324Ile; replaces alanine 324 with isoleucine.
Molecular consequence: missense variant.
Genome position (GRCh38, 1-based): chr1:75,761,146-75,761,147, GC replaced by AT. VCF-style: chr1-75761146-GC-AT. GRCh37 (hg19) VCF-style: chr1-76226831-GC-AT.
Other names: c.982_983delinsAT, p.Ala328Ile (NM_001127328.3); c.862_863delinsAT, p.Ala288Ile (NM_001286042.2); c.1069_1070delinsAT, p.Ala357Ile (NM_001286043.2); c.403_404delinsAT, p.Ala135Ile (NM_001286044.2); short protein forms A288I, A328I, A135I, A324I, A357I.
Identifiers: ClinVar variation 5003626 (VCV005003626.1).
Genomic context (GRCh38, chr1:75,761,146, plus strand): 5'-ATAAATATCCTTTAATTTTTTTCTTTTTAATTCTAGCACCAAGCAATATCATTTATGCTG[GC>AT]TGAAATGGCAATGAAAGTTGAACTAGCTAGAATGAGTTACCAGAGAGCAGCTTGGGAGGT-3'
Protein context (NP_000007.1, residues 314-334): VEHQAISFML[Ala324Ile]EMAMKVELAR